The following is an entry in ClinVar:

ClinVar aggregate classification (germline): Uncertain significance (1 of 4 stars; one submission).

Conditions:
Generalized juvenile polyposis/juvenile polyposis coli. Also called: Juvenile polyposis coli. Identifiers: Orphanet 329971, MedGen C1868081, MONDO:0008276.

Submission:

Labcorp Genetics (formerly Invitae), Labcorp
Classification: Uncertain significance for Juvenile polyposis syndrome. Last evaluated: 2018-10-15. Review status: criteria provided, single submitter. Criteria: Invitae Variant Classification Sherloc (09022015). Collection method: clinical testing. Allele origin: germline.
Comment: This sequence change replaces serine with alanine at codon 337 of the BMPR1A protein (p.Ser337Ala). The serine residue is highly conserved and there is a moderate physicochemical difference between serine and alanine. This variant is not present in population databases (ExAC no frequency). This variant has not been reported in the literature in individuals with BMPR1A-related disease. Algorithms developed to predict the effect of missense changes on protein structure and function (SIFT, PolyPhen-2, Align-GVGD) all suggest that this variant is likely to be disruptive, but these predictions have not been confirmed by published functional studies and their clinical significance is uncertain. In summary, the available evidence is currently insufficient to determine the role of this variant in disease. Therefore, it has been classified as a Variant of Uncertain Significance.

NM_004329.3(BMPR1A):c.1009T>G (p.Ser337Ala)

Gene: BMPR1A (bone morphogenetic protein receptor type 1A; plus strand). Cytogenetic location: 10q23.2.
Variant type: single nucleotide variant.
Coding change: c.1009T>G on transcript NM_004329.3 (MANE Select); coding-DNA position 1009, T replaced by G.
Protein change: p.Ser337Ala; replaces serine 337 with alanine.
Molecular consequence: missense variant.
Genome position (GRCh38, 1-based): chr10:86,919,312, T>G. VCF-style: chr10-86919312-T-G. GRCh37 (hg19) VCF-style: chr10-88679069-T-G.
Other names: short protein forms S337A.
Identifiers: ClinVar variation 646353 (VCV000646353.1), dbSNP rs1589291671, ClinGen allele CA377460544.
Genomic context (GRCh38, chr10:86,919,312, plus strand): 5'-CTCTATGACTTCCTGAAATGTGCTACACTGGACACCAGAGCCCTGCTTAAATTGGCTTAT[T>G]CAGCTGCCTGTGGTCTGTGCCACCTGCACACAGAAATTTATGGCACCCAAGGAAAGCCCG-3'
Protein context (NP_004320.2, residues 327-347): DTRALLKLAY[Ser337Ala]AACGLCHLHT